The following is an entry in ClinVar:

ClinVar aggregate classification (germline): Uncertain significance (1 of 4 stars; one submission).

Allele frequency attached by ClinVar (database versions not stated): TOPMed 0.00002.

Submission:

Labcorp Genetics (formerly Invitae), Labcorp
Classification: Uncertain significance. Last evaluated: 2021-08-14. Review status: criteria provided, single submitter. Criteria: Invitae Variant Classification Sherloc (09022015). Collection method: clinical testing. Allele origin: germline.
Comment: This sequence change replaces arginine with threonine at codon 896 of the NBAS protein (p.Arg896Thr). The arginine residue is highly conserved and there is a moderate physicochemical difference between arginine and threonine. This variant is present in population databases (rs764512917, ExAC 0.03%). This variant has not been reported in the literature in individuals affected with NBAS-related conditions. Algorithms developed to predict the effect of missense changes on protein structure and function (SIFT, PolyPhen-2, Align-GVGD) all suggest that this variant is likely to be tolerated. In summary, the available evidence is currently insufficient to determine the role of this variant in disease. Therefore, it has been classified as a Variant of Uncertain Significance.

NM_015909.4(NBAS):c.2687G>C (p.Arg896Thr)

Gene: NBAS (NBAS subunit of NRZ tethering complex; minus strand). Cytogenetic location: 2p24.3.
Variant type: single nucleotide variant.
Coding change: c.2687G>C on transcript NM_015909.4 (MANE Select); coding-DNA position 2687, G replaced by C.
Protein change: p.Arg896Thr; replaces arginine 896 with threonine.
Molecular consequence: missense variant. On other transcripts: non-coding transcript variant (1).
Genome position (GRCh38, 1-based): chr2:15,417,603, C>G on the plus strand (G>C on the coding strand, the complement: NBAS is on the minus strand). VCF-style: chr2-15417603-C-G. GRCh37 (hg19) VCF-style: chr2-15557727-C-G.
Other names: short protein forms R896T.
Identifiers: ClinVar variation 1509497 (VCV001509497.5), dbSNP rs764512917, ClinGen allele CA1536283.